The following is an entry in ClinVar:

ClinVar aggregate classification (germline): Uncertain significance (1 of 4 stars; one submission).

Allele frequency attached by ClinVar (database versions not stated): gnomAD exomes below 0.00001.
gnomAD v4.1: 1 of 1,610,962 alleles (0.000062%); highest among the groups gnomAD compares: Non-Finnish European, 0.000085%; no homozygotes.

Submission:

GeneDx
Classification: Uncertain significance. Last evaluated: 2022-07-11. Review status: criteria provided, single submitter. Criteria: GeneDx Variant Classification Process June 2021. Collection method: clinical testing. Allele origin: germline. Affected: yes.
Comment: Not observed at significant frequency in large population cohorts (gnomAD); In silico analysis supports that this missense variant has a deleterious effect on protein structure/function; Has not been previously published as pathogenic or benign to our knowledge

NM_001330288.2(SMARCC2):c.252C>G (p.Phe84Leu)

Gene: SMARCC2 (SWI/SNF related BAF chromatin remodeling complex subunit C2; minus strand). Cytogenetic location: 12q13.2.
Variant type: single nucleotide variant.
Coding change: c.252C>G on transcript NM_001330288.2 (MANE Select); coding-DNA position 252, C replaced by G.
Protein change: p.Phe84Leu; replaces phenylalanine 84 with leucine.
Molecular consequence: missense variant.
Genome position (GRCh38, 1-based): chr12:56,186,220, G>C on the plus strand (C>G on the coding strand, the complement: SMARCC2 is on the minus strand). VCF-style: chr12-56186220-G-C. GRCh37 (hg19) VCF-style: chr12-56580004-G-C.
Other names: c.252C>G, p.Phe84Leu (NM_001130420.3, NM_003075.5, NM_139067.4); short protein forms F84L.
Identifiers: ClinVar variation 1698025 (VCV001698025.2), dbSNP rs2135755992, ClinGen allele CA385266245.